The following is an entry in ClinVar:

NM_080916.3(DGUOK):c.814A>G (p.Thr272Ala)

Genes: DGUOK (deoxyguanosine kinase; plus strand), DGUOK-AS1 (DGUOK antisense RNA 1; minus strand). Cytogenetic location: 2p13.1.
Variant type: single nucleotide variant.
Coding change: c.814A>G on transcript NM_080916.3 (MANE Select); coding-DNA position 814, A replaced by G.
Protein change: p.Thr272Ala; replaces threonine 272 with alanine.
Molecular consequence: missense variant. On other transcripts: non-coding transcript variant (6).
Genome position (GRCh38, 1-based): chr2:73,958,716, A>G. VCF-style: chr2-73958716-A-G. GRCh37 (hg19) VCF-style: chr2-74185843-A-G.
Other names: c.532A>G, p.Thr178Ala (NM_001318859.2); c.523A>G, p.Thr175Ala (NM_001318860.2, NM_001318861.2); c.505A>G, p.Thr169Ala (NM_001318862.2, NM_001318863.2); c.550A>G, p.Thr184Ala (NM_080918.3); short protein forms T169A, T175A, T178A, T184A, T272A.
Identifiers: ClinVar variation 3360867 (VCV003360867.1).

ClinVar aggregate classification (germline): Uncertain significance (1 of 4 stars; one submission).

Submission:

GeneDx
Classification: Uncertain significance. Last evaluated: 2023-07-20. Review status: criteria provided, single submitter. Criteria: GeneDx Variant Classification Process June 2021. Collection method: clinical testing. Allele origin: germline. Affected: yes.
Comment: Not observed at significant frequency in large population cohorts (gnomAD); In silico analysis supports that this missense variant does not alter protein structure/function; Has not been previously published as pathogenic or benign to our knowledge